The following is an entry in ClinVar:

NM_001009944.3(PKD1):c.3161+5_3161+8del

Gene: PKD1 (polycystin 1, transient receptor potential channel interacting; minus strand). Cytogenetic location: 16p13.3.
Variant type: Microsatellite.
Coding change: c.3161+5_3161+8del on transcript NM_001009944.3 (MANE Select); bases 5 to 8 of the intron after coding-DNA position 3161, 4 bases deleted (GTGA; older notation c.3161+5_3161+8delGTGA).
Molecular consequence: splice donor variant.
Genome position (GRCh38, 1-based): chr16:2,112,780-2,112,783, TCAC deleted on the plus strand (GTGA on the coding strand, the reverse complement: PKD1 is on the minus strand); deleting any 4 consecutive bases within chr16:2,112,780-2,112,787 gives the same sequence; the c. name uses the placement nearest the transcript's 3' end. VCF-style (leftmost placement, unchanged base first): chr16-2112779-GTCAC-G. GRCh37 (hg19) VCF-style: chr16-2162780-GTCAC-G.
Other names: c.3161+5_3161+8del (NM_000296.4).
Identifiers: ClinVar variation 2570926 (VCV002570926.27), dbSNP rs2544840918, ClinGen allele CA2580613397.

ClinVar aggregate classification (germline): Likely pathogenic (1 of 4 stars; one submission).

Submission:

CeGaT Center for Human Genetics Tuebingen
Classification: Likely pathogenic. Last evaluated: 2024-12-01. Review status: criteria provided, single submitter. Criteria: CeGaT Center For Human Genetics Tuebingen Variant Classification Criteria Version 2. Collection method: clinical testing. Allele origin: germline. Affected: yes. Observed: 1 variant allele.
Comment: PKD1: PS2, PM2, PP3, PP4